The following is an entry in ClinVar:

ClinVar aggregate classification (germline): Likely pathogenic (1 of 4 stars; one submission).

Conditions:
Fliedner-Zweier syndrome (FZS). Identifiers: MedGen C5882693, MONDO:0957787, OMIM 620511.

Submission:

Institute of Human Genetics, University of Leipzig Medical Center
Classification: Likely pathogenic for Fliedner-Zweier syndrome. Last evaluated: 2023-03-09. Review status: criteria provided, single submitter. Criteria: ACMG Guidelines, 2015. Collection method: clinical testing. Allele origin: de novo. Inheritance: Autosomal dominant inheritance. Affected: yes.
Comment: Criteria applied: PVS1,PS2,PM2_SUP

NM_020706.2(SCAF4):c.169G>T (p.Glu57Ter)

Gene: SCAF4 (SR-related CTD associated factor 4; minus strand). Cytogenetic location: 21q22.11.
Variant type: single nucleotide variant.
Coding change: c.169G>T on transcript NM_020706.2 (MANE Select); coding-DNA position 169, G replaced by T.
Protein change: p.Glu57Ter; replaces glutamic acid 57 with a stop codon.
Molecular consequence: nonsense.
Genome position (GRCh38, 1-based): chr21:31,703,917, C>A on the plus strand (G>T on the coding strand, the complement: SCAF4 is on the minus strand). VCF-style: chr21-31703917-C-A. GRCh37 (hg19) VCF-style: chr21-33076230-C-A.
Other names: c.124G>T, p.Glu42Ter (NM_001145444.1); c.169G>T, p.Glu57Ter (NM_001145445.1); short protein forms E42*, E57*.
Identifiers: ClinVar variation 2691851 (VCV002691851.2), dbSNP rs2516811789, ClinGen allele CA410051428.